The following is an entry in ClinVar:

ClinVar aggregate classification (germline): Likely pathogenic (1 of 4 stars; one submission).

Allele frequency attached by ClinVar (database versions not stated): ExAC 0.00001; gnomAD exomes 0.00001.
gnomAD v4.1: 3 of 1,605,662 alleles (0.00019%); highest among the groups gnomAD compares: South Asian, 0.0022%; no homozygotes.

Submission:

Labcorp Genetics (formerly Invitae), Labcorp
Classification: Likely pathogenic. Last evaluated: 2022-07-12. Review status: criteria provided, single submitter. Criteria: Invitae Variant Classification Sherloc (09022015). Collection method: clinical testing. Allele origin: germline.
Comment: In summary, the currently available evidence indicates that the variant is pathogenic, but additional data are needed to prove that conclusively. Therefore, this variant has been classified as Likely Pathogenic. Algorithms developed to predict the effect of sequence changes on RNA splicing suggest that this variant may disrupt the consensus splice site. This variant has not been reported in the literature in individuals affected with LAMC3-related conditions. The frequency data for this variant in the population databases is considered unreliable, as metrics indicate poor data quality at this position in the gnomAD database. This sequence change affects a donor splice site in intron 21 of the LAMC3 gene. It is expected to disrupt RNA splicing. Variants that disrupt the donor or acceptor splice site typically lead to a loss of protein function (PMID: 16199547), and loss-of-function variants in LAMC3 are known to be pathogenic (PMID: 21572413, 26802095).

Literature cited by the submitters: PubMed 16199547; PubMed 21572413; PubMed 26802095.

NM_006059.4(LAMC3):c.3629+1G>A

Gene: LAMC3 (laminin subunit gamma 3; plus strand). Cytogenetic location: 9q34.12.
Variant type: single nucleotide variant.
Coding change: c.3629+1G>A on transcript NM_006059.4 (MANE Select); the canonical splice donor site of the intron after coding-DNA position 3629, G replaced by A.
Molecular consequence: splice donor variant.
Genome position (GRCh38, 1-based): chr9:131,075,966, G>A. VCF-style: chr9-131075966-G-A. GRCh37 (hg19) VCF-style: chr9-133951353-G-A.
Identifiers: ClinVar variation 1960349 (VCV001960349.5), dbSNP rs765835831, ClinGen allele CA5287865.